The following is an entry in ClinVar:

ClinVar aggregate classification (germline): Conflicting classifications of pathogenicity. Review status: criteria provided, conflicting classifications (1 of 4 stars). 2 submissions from 2 submitters: Uncertain significance (1); Likely benign (1). Last evaluated 2025-05-18.

Conditions:
Inborn genetic diseases. Identifiers: MedGen C0950123, MeSH D030342.

Allele frequency attached by ClinVar (database versions not stated): TOPMed 0.00001; gnomAD 0.00001.
gnomAD v4.1: 3 of 1,594,242 alleles (0.00019%); highest among the groups gnomAD compares: Non-Finnish European, 0.00017%; no homozygotes.

Submissions (2):

Ambry Genetics
Classification: Likely benign for Inborn genetic diseases. Last evaluated: 2025-05-18. Review status: criteria provided, single submitter. Criteria: Ambry Variant Classification Scheme 2023. Collection method: clinical testing. Allele origin: germline.

Labcorp Genetics (formerly Invitae), Labcorp
Classification: Uncertain significance. Last evaluated: 2021-10-22. Review status: criteria provided, single submitter. Criteria: Invitae Variant Classification Sherloc (09022015). Collection method: clinical testing. Allele origin: germline.
Comment: This sequence change replaces isoleucine with methionine at codon 1890 of the ADGRV1 protein (p.Ile1890Met). The isoleucine residue is weakly conserved and there is a small physicochemical difference between isoleucine and methionine. This variant is not present in population databases (ExAC no frequency). This variant has not been reported in the literature in individuals affected with ADGRV1-related conditions. Algorithms developed to predict the effect of missense changes on protein structure and function output the following: SIFT: "Tolerated"; PolyPhen-2: "Benign"; Align-GVGD: "Class C0". The methionine amino acid residue is found in multiple mammalian species, which suggests that this missense change does not adversely affect protein function. In summary, the available evidence is currently insufficient to determine the role of this variant in disease. Therefore, it has been classified as a Variant of Uncertain Significance.

NM_032119.4(ADGRV1):c.5670A>G (p.Ile1890Met)

Gene: ADGRV1 (adhesion G protein-coupled receptor V1; plus strand). Cytogenetic location: 5q14.3.
Variant type: single nucleotide variant.
Coding change: c.5670A>G on transcript NM_032119.4 (MANE Select); coding-DNA position 5670, A replaced by G.
Protein change: p.Ile1890Met; replaces isoleucine 1890 with methionine.
Molecular consequence: missense variant. On other transcripts: non-coding transcript variant (1).
Genome position (GRCh38, 1-based): chr5:90,683,591, A>G. VCF-style: chr5-90683591-A-G. GRCh37 (hg19) VCF-style: chr5-89979408-A-G.
Other names: c.5670A>G (NM_032119.3); short protein forms I1890M.
Identifiers: ClinVar variation 1502930 (VCV001502930.4), dbSNP rs1283387324, ClinGen allele CA360413130.
Genomic context (GRCh38, chr5:90,683,591, plus strand): 5'-AAGTAACTGGCTTTAATCTCTCTTTTAATAGATTTTAATATTAAGTATTTTGTAGGTTAT[A>G]AGACATCATGGAACTCTGTCTCCAGTGACTTTGCATTGGAACATAGACTCTGATCCTGAT-3'
Protein context (NP_115495.3, residues 1880-1900): DGYSTVTLNV[Ile1890Met]RHHGTLSPVT